The following is an entry in ClinVar:

ClinVar aggregate classification (germline): Likely benign (1 of 4 stars; one submission).

Allele frequency attached by ClinVar (database versions not stated): ExAC 0.00003; gnomAD 0.00003; TOPMed 0.00003.
gnomAD v4.1: 46 of 1,614,018 alleles (0.0029%); highest among the groups gnomAD compares: Middle Eastern, 0.017%; no homozygotes.

Submission:

CeGaT Center for Human Genetics Tuebingen
Classification: Likely benign. Last evaluated: 2023-02-01. Review status: criteria provided, single submitter. Criteria: CeGaT Center For Human Genetics Tuebingen Variant Classification Criteria Version 2. Collection method: clinical testing. Allele origin: germline. Affected: yes. Observed: 1 variant allele.
Comment: FBXO31: BP4, BP7

NM_024735.5(FBXO31):c.483C>T (p.Asn161=)

Gene: FBXO31 (F-box protein 31; minus strand). Cytogenetic location: 16q24.2.
Variant type: single nucleotide variant.
Coding change: c.483C>T on transcript NM_024735.5 (MANE Select); coding-DNA position 483, C replaced by T.
Protein change: p.Asn161=; no amino-acid change (asparagine 161 retained).
Molecular consequence: synonymous variant. On other transcripts: 5 prime UTR variant (1).
Genome position (GRCh38, 1-based): chr16:87,347,180, G>A on the plus strand (C>T on the coding strand, the complement: FBXO31 is on the minus strand). VCF-style: chr16-87347180-G-A. GRCh37 (hg19) VCF-style: chr16-87380786-G-A.
Other names: c.-34C>T (NM_001282683.2).
Identifiers: ClinVar variation 2646955 (VCV002646955.24), dbSNP rs773883607, ClinGen allele CA8219229.